The following is an entry in ClinVar:

ClinVar aggregate classification (germline): Likely benign (1 of 4 stars; one submission).

gnomAD v4.1: 107 of 1,529,822 alleles (0.007%); highest among the groups gnomAD compares: Admixed American, 0.069%; no homozygotes.

Submission:

CeGaT Center for Human Genetics Tuebingen
Classification: Likely benign. Last evaluated: 2026-02-01. Review status: criteria provided, single submitter. Criteria: CeGaT Center For Human Genetics Tuebingen Variant Classification Criteria Version 2. Collection method: clinical testing. Allele origin: germline. Affected: yes. Observed: 1 variant allele.
Comment: MUC5B: BP4, BP7

NM_002458.3(MUC5B):c.10266C>T (p.Thr3422=)

Genes: MUC5B (mucin 5B, oligomeric mucus/gel-forming; plus strand), MUC5B-AS1 (MUC5B antisense RNA 1; minus strand). Cytogenetic location: 11p15.5.
Variant type: single nucleotide variant.
Coding change: c.10266C>T on transcript NM_002458.3 (MANE Select); coding-DNA position 10266, C replaced by T.
Protein change: p.Thr3422=; no amino-acid change (threonine 3422 retained).
Molecular consequence: synonymous variant.
Genome position (GRCh38, 1-based): chr11:1,247,146, C>T. VCF-style: chr11-1247146-C-T. GRCh37 (hg19) VCF-style: chr11-1268376-C-T.
Identifiers: ClinVar variation 4820932 (VCV004820932.4).
Genomic context (GRCh38, chr11:1,247,146, plus strand): 5'-CACCACCAACCCCTCCTCAACTCCAGGGACAACTCCCATCCCCCCAGTGCTGACCACCAC[C>T]GCCACCACACCTGCAGCCACCAGCAGCACAGTGACTCCCTCCTCTGCCCTAGGGACCACC-3'
Protein context (NP_002449.2, residues 3412-3432): TTPIPPVLTT[Thr3422=]ATTPAATSST